The following is an entry in ClinVar:

NM_080680.3(COL11A2):c.2136A>C (p.Gly712=)

Gene: COL11A2 (collagen type XI alpha 2 chain; minus strand). Cytogenetic location: 6p21.32.
Variant type: single nucleotide variant.
Coding change: c.2136A>C on transcript NM_080680.3 (MANE Select); coding-DNA position 2136, A replaced by C.
Protein change: p.Gly712=; no amino-acid change (glycine 712 retained).
Molecular consequence: synonymous variant.
Genome position (GRCh38, 1-based): chr6:33,176,466, T>G on the plus strand (A>C on the coding strand, the complement: COL11A2 is on the minus strand). VCF-style: chr6-33176466-T-G. GRCh37 (hg19) VCF-style: chr6-33144243-T-G.
Other names: c.1815A>C, p.Gly605= (NM_080679.3); c.1878A>C, p.Gly626= (NM_080681.3).
Identifiers: ClinVar variation 516209 (VCV000516209.1), dbSNP rs1799908, ClinGen allele CA449883338.

ClinVar aggregate classification (germline): Likely benign (1 of 4 stars; one submission).

Submission:

GeneDx
Classification: Likely benign. Last evaluated: 2017-05-09. Review status: criteria provided, single submitter. Criteria: GeneDx Variant Classification (06012015). Collection method: clinical testing. Allele origin: germline. Affected: yes.
Comment: This variant is considered likely benign or benign based on one or more of the following criteria: it is a conservative change, it occurs at a poorly conserved position in the protein, it is predicted to be benign by multiple in silico algorithms, and/or has population frequency not consistent with disease.